The following is an entry in ClinVar:

NM_001024845.3(SLC6A9):c.1144C>T (p.Pro382Ser)

Gene: SLC6A9 (solute carrier family 6 member 9; minus strand). Cytogenetic location: 1p34.1.
Variant type: single nucleotide variant.
Coding change: c.1144C>T on transcript NM_001024845.3 (MANE Select); coding-DNA position 1144, C replaced by T.
Protein change: p.Pro382Ser; replaces proline 382 with serine.
Molecular consequence: missense variant. On other transcripts: non-coding transcript variant (1).
Genome position (GRCh38, 1-based): chr1:44,001,446, G>A on the plus strand (C>T on the coding strand, the complement: SLC6A9 is on the minus strand). VCF-style: chr1-44001446-G-A. GRCh37 (hg19) VCF-style: chr1-44467118-G-A.
Other names: c.1156C>T, p.Pro386Ser (NM_001261380.2); c.811C>T, p.Pro271Ser (NM_001328626.2, NM_001328630.2); c.1081C>T, p.Pro361Ser (NM_001328627.1); c.949C>T, p.Pro317Ser (NM_001328628.1); c.1144C>T, p.Pro382Ser (NM_001328629.1); c.1201C>T, p.Pro401Ser (NM_006934.4); c.1363C>T, p.Pro455Ser (NM_201649.4); short protein forms P317S, P361S, P271S, P386S, P401S, P382S, P455S.
Identifiers: ClinVar variation 1507538 (VCV001507538.8), dbSNP rs1336348098, ClinGen allele CA340068648.

ClinVar aggregate classification (germline): Uncertain significance (1 of 4 stars; one submission).

Conditions:
Atypical glycine encephalopathy. Also called: Glycine encephalopathy with normal serum glycine. Identifiers: Orphanet 289863, MedGen C4310943, MONDO:0015010, OMIM 617301.

Allele frequency attached by ClinVar (database versions not stated): gnomAD 0.00001.
gnomAD v4.1: 1 of 1,614,062 alleles (0.000062%); highest among the groups gnomAD compares: African/African-American, 0.0013%; no homozygotes.

Submission:

Labcorp Genetics (formerly Invitae), Labcorp
Classification: Uncertain significance for Atypical glycine encephalopathy. Last evaluated: 2022-08-16. Review status: criteria provided, single submitter. Criteria: Invitae Variant Classification Sherloc (09022015). Collection method: clinical testing. Allele origin: germline.
Comment: This sequence change replaces proline, which is neutral and non-polar, with serine, which is neutral and polar, at codon 455 of the SLC6A9 protein (p.Pro455Ser). This variant is present in population databases (no rsID available, gnomAD 0.01%). This variant has not been reported in the literature in individuals affected with SLC6A9-related conditions. ClinVar contains an entry for this variant (Variation ID: 1507538). Algorithms developed to predict the effect of missense changes on protein structure and function are either unavailable or do not agree on the potential impact of this missense change (SIFT: "Tolerated"; PolyPhen-2: "Probably Damaging"; Align-GVGD: "Class C0"). In summary, the available evidence is currently insufficient to determine the role of this variant in disease. Therefore, it has been classified as a Variant of Uncertain Significance.